The following is an entry in ClinVar:

NM_001649.4(SHROOM2):c.2794G>T (p.Ala932Ser)

Gene: SHROOM2 (shroom family member 2; plus strand). Cytogenetic location: Xp22.2.
Variant type: single nucleotide variant.
Coding change: c.2794G>T on transcript NM_001649.4 (MANE Select); coding-DNA position 2794, G replaced by T.
Protein change: p.Ala932Ser; replaces alanine 932 with serine.
Molecular consequence: missense variant.
Genome position (GRCh38, 1-based): chrX:9,898,193, G>T. VCF-style: chrX-9898193-G-T. GRCh37 (hg19) VCF-style: chrX-9866233-G-T.
Other names: short protein forms A932S.
Identifiers: ClinVar variation 3037500 (VCV003037500.2), dbSNP rs61752518, ClinGen allele CA10345627.

ClinVar aggregate classification (germline): Benign (0 of 4 stars; one submission).

Conditions:
SHROOM2-related disorder. Also called: SHROOM2-related condition.

Allele frequency attached by ClinVar (database versions not stated): gnomAD exomes 0.00157; ExAC 0.01410; gnomAD 0.01727; TOPMed 0.01889; 1000 Genomes Project 0.01907; 1000 Genomes Project 30x 0.01956; ESP Exome Variant Server 0.02050.
gnomAD v4.1: 3,676 of 1,178,453 alleles (0.31%); highest among the groups gnomAD compares: African/African-American, 5.9%; 79 homozygotes.

Submission:

PreventionGenetics, part of Exact Sciences
Classification: Benign for SHROOM2-related condition. Last evaluated: 2019-11-25. Review status: no assertion criteria provided. Collection method: clinical testing. Allele origin: germline.
Comment: This variant is classified as benign based on ACMG/AMP sequence variant interpretation guidelines (Richards et al. 2015 PMID: 25741868, with internal and published modifications).